The following is an entry in ClinVar:

ClinVar aggregate classification (germline): Uncertain significance (1 of 4 stars; one submission).

Conditions:
Hereditary cancer-predisposing syndrome. Also called: Tumor predisposition; Neoplastic Syndromes, Hereditary; Hereditary Cancer Syndrome; Hereditary neoplastic syndrome. Identifiers: Orphanet 140162, MedGen C0027672, MeSH D009386, MONDO:0015356.

Submission:

Ambry Genetics
Classification: Uncertain significance for Hereditary cancer-predisposing syndrome. Last evaluated: 2025-02-15. Review status: criteria provided, single submitter. Criteria: Ambry Variant Classification Scheme 2023. Collection method: clinical testing. Allele origin: germline.
Comment: The p.D213N variant (also known as c.637G>A), located in coding exon 7 of the NF2 gene, results from a G to A substitution at nucleotide position 637. The aspartic acid at codon 213 is replaced by asparagine, an amino acid with highly similar properties. This amino acid position is conserved. In addition, this alteration is predicted to be tolerated by in silico analysis. Based on the available evidence, the clinical significance of this variant remains unclear.

NM_000268.4(NF2):c.637G>A (p.Asp213Asn)

Gene: NF2 (NF2, moesin-ezrin-radixin like (MERLIN) tumor suppressor; plus strand). Cytogenetic location: 22q12.2.
Variant type: single nucleotide variant.
Coding change: c.637G>A on transcript NM_000268.4 (MANE Select); coding-DNA position 637, G replaced by A.
Protein change: p.Asp213Asn; replaces aspartic acid 213 with asparagine.
Molecular consequence: missense variant. On other transcripts: intron variant (1).
Genome position (GRCh38, 1-based): chr22:29,658,226, G>A. VCF-style: chr22-29658226-G-A. GRCh37 (hg19) VCF-style: chr22-30054215-G-A.
Other names: c.447+15941G>A (NM_181833.3); c.523G>A, p.Asp175Asn (NM_001407053.1, NM_001407056.1); c.514G>A, p.Asp172Asn (NM_001407054.1, NM_001407058.1, NM_001407062.1 and 1 more transcripts); c.511G>A, p.Asp171Asn (NM_001407055.1, NM_181828.3); c.637G>A, p.Asp213Asn (NM_001407057.1, NM_001407059.1, NM_001407060.1 and 4 more transcripts); c.388G>A, p.Asp130Asn (NM_001407063.1, NM_001407064.1, NM_181830.3 and 1 more transcripts); c.103G>A, p.Asp35Asn (NM_001407065.1); c.406G>A, p.Asp136Asn (NM_001407067.1); short protein forms D35N, D136N, D172N, D175N, D171N, D130N, D213N.
Identifiers: ClinVar variation 3879181 (VCV003879181.1).
Genomic context (GRCh38, chr22:29,658,226, plus strand): 5'-AGTGTCTTCCGTTCTCCCCACAGGGATGAAGCTGAAATGGAATATCTGAAGATAGCTCAG[G>A]ACCTGGAGATGTACGGTGTGAACTACTTTGCAATCCGGGTGTGTTGAAACCTCTCTGAGC-3'
Protein context (NP_000259.1, residues 203-223): AEMEYLKIAQ[Asp213Asn]LEMYGVNYFA